The following is an entry in ClinVar:

NM_000440.3(PDE6A):c.910G>T (p.Gly304Cys)

Gene: PDE6A (phosphodiesterase 6A; minus strand). Cytogenetic location: 5q32.
Variant type: single nucleotide variant.
Coding change: c.910G>T on transcript NM_000440.3 (MANE Select); coding-DNA position 910, G replaced by T.
Protein change: p.Gly304Cys; replaces glycine 304 with cysteine.
Molecular consequence: missense variant.
Genome position (GRCh38, 1-based): chr5:149,921,658, C>A on the plus strand (G>T on the coding strand, the complement: PDE6A is on the minus strand). VCF-style: chr5-149921658-C-A. GRCh37 (hg19) VCF-style: chr5-149301221-C-A.
Other names: short protein forms G304C.
Identifiers: ClinVar variation 971545 (VCV000971545.9), dbSNP rs769712698, ClinGen allele CA361700792.

ClinVar aggregate classification (germline): Uncertain significance (1 of 4 stars; one submission).

Allele frequency attached by ClinVar (database versions not stated): TOPMed below 0.00001.

Submission:

Labcorp Genetics (formerly Invitae), Labcorp
Classification: Uncertain significance. Last evaluated: 2022-07-26. Review status: criteria provided, single submitter. Criteria: Invitae Variant Classification Sherloc (09022015). Collection method: clinical testing. Allele origin: germline.
Comment: Algorithms developed to predict the effect of missense changes on protein structure and function are either unavailable or do not agree on the potential impact of this missense change (SIFT: "Deleterious"; PolyPhen-2: "Probably Damaging"; Align-GVGD: "Class C0"). ClinVar contains an entry for this variant (Variation ID: 971545). This variant has not been reported in the literature in individuals affected with PDE6A-related conditions. This variant is not present in population databases (gnomAD no frequency). This sequence change replaces glycine, which is neutral and non-polar, with cysteine, which is neutral and slightly polar, at codon 304 of the PDE6A protein (p.Gly304Cys). In summary, the available evidence is currently insufficient to determine the role of this variant in disease. Therefore, it has been classified as a Variant of Uncertain Significance.